The following is an entry in ClinVar:

ClinVar aggregate classification (germline): Uncertain significance (1 of 4 stars; one submission).

Conditions:
Familial thoracic aortic aneurysm and aortic dissection (TAAD). Also called: Thoracic aortic aneurysms and dissections. Identifiers: Orphanet 91387, MedGen C4707243, MONDO:0019625.
Marfan syndrome (MFS). Also called: MARFAN SYNDROME, TYPE I; Marfan syndrome type 1; Marfan's syndrome; Marfan syndrome, classic; FBN1-Related Marfan Syndrome. Identifiers: Orphanet 284963, Orphanet 558, MedGen C0024796, MONDO:0007947, OMIM 154700.

Submission:

Labcorp Genetics (formerly Invitae), Labcorp
Classification: Uncertain significance for Marfan syndrome; Familial thoracic aortic aneurysm and aortic dissection. Last evaluated: 2022-05-11. Review status: criteria provided, single submitter. Criteria: Invitae Variant Classification Sherloc (09022015). Collection method: clinical testing. Allele origin: germline.
Comment: In summary, the available evidence is currently insufficient to determine the role of this variant in disease. Therefore, it has been classified as a Variant of Uncertain Significance. Algorithms developed to predict the effect of missense changes on protein structure and function are either unavailable or do not agree on the potential impact of this missense change (SIFT: "Deleterious"; PolyPhen-2: "Benign"; Align-GVGD: "Class C0"). This variant has not been reported in the literature in individuals affected with FBN1-related conditions. This variant is not present in population databases (gnomAD no frequency). This sequence change replaces methionine, which is neutral and non-polar, with threonine, which is neutral and polar, at codon 977 of the FBN1 protein (p.Met977Thr).

NM_000138.5(FBN1):c.2930T>C (p.Met977Thr)

Gene: FBN1 (fibrillin 1; minus strand). Cytogenetic location: 15q21.1.
Variant type: single nucleotide variant.
Coding change: c.2930T>C on transcript NM_000138.5 (MANE Select); coding-DNA position 2930, T replaced by C.
Protein change: p.Met977Thr; replaces methionine 977 with threonine.
Molecular consequence: missense variant.
Genome position (GRCh38, 1-based): chr15:48,490,003, A>G on the plus strand (T>C on the coding strand, the complement: FBN1 is on the minus strand). VCF-style: chr15-48490003-A-G. GRCh37 (hg19) VCF-style: chr15-48782200-A-G.
Other names: c.2930T>C, p.Met977Thr (NM_001406716.1); short protein forms M977T.
Identifiers: ClinVar variation 2161252 (VCV002161252.4), dbSNP rs199682686, ClinGen allele CA392329694.